The following is an entry in ClinVar:

ClinVar aggregate classification (germline): Uncertain significance (1 of 4 stars; one submission).

Allele frequency attached by ClinVar (database versions not stated): TOPMed below 0.00001.
gnomAD v4.1: 12 of 1,451,178 alleles (0.00083%); highest among the groups gnomAD compares: Non-Finnish European, 0.00036%; no homozygotes.

Submission:

Labcorp Genetics (formerly Invitae), Labcorp
Classification: Uncertain significance. Last evaluated: 2022-04-17. Review status: criteria provided, single submitter. Criteria: Invitae Variant Classification Sherloc (09022015). Collection method: clinical testing. Allele origin: germline.
Comment: In summary, the available evidence is currently insufficient to determine the role of this variant in disease. Therefore, it has been classified as a Variant of Uncertain Significance. Algorithms developed to predict the effect of missense changes on protein structure and function (SIFT, PolyPhen-2, Align-GVGD) all suggest that this variant is likely to be tolerated. ClinVar contains an entry for this variant (Variation ID: 1018913). This variant has not been reported in the literature in individuals affected with HMX1-related conditions. The frequency data for this variant in the population databases is considered unreliable, as metrics indicate poor data quality at this position in the gnomAD database. This sequence change replaces threonine, which is neutral and polar, with methionine, which is neutral and non-polar, at codon 176 of the HMX1 protein (p.Thr176Met).

NM_018942.3(HMX1):c.527C>T (p.Thr176Met)

Gene: HMX1 (H6 family homeobox 1; minus strand). Cytogenetic location: 4p16.1.
Variant type: single nucleotide variant.
Coding change: c.527C>T on transcript NM_018942.3 (MANE Select); coding-DNA position 527, C replaced by T.
Protein change: p.Thr176Met; replaces threonine 176 with methionine.
Molecular consequence: missense variant. On other transcripts: intron variant (1).
Genome position (GRCh38, 1-based): chr4:8,868,213, G>A on the plus strand (C>T on the coding strand, the complement: HMX1 is on the minus strand). VCF-style: chr4-8868213-G-A. GRCh37 (hg19) VCF-style: chr4-8869939-G-A.
Other names: c.394+3008C>T (NM_001306142.2); short protein forms T176M.
Identifiers: ClinVar variation 1018913 (VCV001018913.8), dbSNP rs1272545151, ClinGen allele CA356278379.